The following is an entry in ClinVar:

NM_153717.3(EVC):c.1099-208C>T

Gene: EVC (EvC ciliary complex subunit 1; plus strand). Cytogenetic location: 4p16.2.
Variant type: single nucleotide variant.
Coding change: c.1099-208C>T on transcript NM_153717.3 (MANE Select); 208 bases into the intron before coding-DNA position 1099, C replaced by T.
Molecular consequence: intron variant.
Genome position (GRCh38, 1-based): chr4:5,752,628, C>T. VCF-style: chr4-5752628-C-T. GRCh37 (hg19) VCF-style: chr4-5754355-C-T.
Other names: c.1099-208C>T (NM_001306090.2, NM_001306092.2).
Identifiers: ClinVar variation 669948 (VCV000669948.4), dbSNP rs6812234, ClinGen allele CA11634270.

ClinVar aggregate classification (germline): Benign. Review status: criteria provided, multiple submitters, no conflicts (2 of 4 stars). 3 submissions from 3 submitters: Benign (3). Last evaluated 2021-06-15.

Conditions:
Ellis-van Creveld syndrome (EVC). Also called: EVC-Related Ellis-van Creveld Syndrome; EVC2-Related Ellis-van Creveld Syndrome; Chondroectodermal dysplasia; MESOECTODERMAL DYSPLASIA. Identifiers: Orphanet 289, MedGen C0013903, MONDO:0009162, OMIM 225500.

Allele frequency attached by ClinVar (database versions not stated): 1000 Genomes Project 30x 0.41474; 1000 Genomes Project 0.41993.
gnomAD v4.1: 233,524 of 639,874 alleles (36%); highest among the groups gnomAD compares: East Asian, 51%; 44,589 homozygotes.

Submissions (3):

Pars Genome Lab
Classification: Benign for Ellis-van Creveld syndrome. Last evaluated: 2021-06-15. Review status: criteria provided, single submitter. Criteria: ACMG Guidelines, 2015. Collection method: clinical testing. Allele origin: germline. Affected: no.

GeneDx
Classification: Benign. Last evaluated: 2018-06-14. Review status: criteria provided, single submitter. Criteria: GeneDx Variant Classification (06012015). Collection method: clinical testing. Allele origin: germline. Affected: yes.
Comment: This variant is considered likely benign or benign based on one or more of the following criteria: it is a conservative change, it occurs at a poorly conserved position in the protein, it is predicted to be benign by multiple in silico algorithms, and/or has population frequency not consistent with disease.

Breakthrough Genomics
Classification: Benign. Review status: criteria provided, single submitter. Criteria: ACMG Guidelines, 2015. Collection method: not provided. Allele origin: germline. Inheritance: Autosomal recessive inheritance. Affected: yes.